The following is an entry in ClinVar:

ClinVar aggregate classification (germline): Uncertain significance. Review status: criteria provided, multiple submitters, no conflicts (2 of 4 stars). 2 submissions from 2 submitters: Uncertain significance (2). Last evaluated 2020-08-11.
ClinVar aggregate classification (oncogenicity): Uncertain significance (1 of 4 stars; one submission).

Conditions:
Hereditary cancer-predisposing syndrome. Also called: Hereditary Cancer Syndrome; Hereditary neoplastic syndrome; Neoplastic Syndromes, Hereditary; Tumor predisposition. Identifiers: Orphanet 140162, MedGen C0027672, MeSH D009386, MONDO:0015356.
Hereditary diffuse gastric adenocarcinoma (HDGC). Also called: DIFFUSE GASTRIC AND LOBULAR BREAST CANCER SYNDROME. Identifiers: Orphanet 26106, MedGen C1708349, MONDO:0007648, OMIM 137215.
Neoplasm. Also called: Neoplasms; Neoplasm (disease); tumor. Identifiers: MedGen C0027651, MeSH D009369, MONDO:0005070, HP:0002664.

Submissions (3):

Center for Genomic Medicine, Rigshospitalet, Copenhagen University Hospital
Classification: Uncertain significance for Neoplasm. Last evaluated: 2026-10-16. Review status: criteria provided, single submitter. Criteria: ClinGen/CGC/VICC Guidelines for Oncogenicity, 2022. Collection method: clinical testing. Allele origin: somatic. Affected: yes.

Ambry Genetics
Classification: Uncertain significance for Hereditary cancer-predisposing syndrome. Last evaluated: 2020-08-11. Review status: criteria provided, single submitter. Criteria: Ambry Variant Classification Scheme 2023. Collection method: clinical testing. Allele origin: germline.
Comment: The p.V252G variant (also known as c.755T>G), located in coding exon 6 of the CDH1 gene, results from a T to G substitution at nucleotide position 755. The valine at codon 252 is replaced by glycine, an amino acid with dissimilar properties. This amino acid position is highly conserved in available vertebrate species. In addition, this alteration is predicted to be deleterious by in silico analysis. Since supporting evidence is limited at this time, the clinical significance of this alteration remains unclear.

Labcorp Genetics (formerly Invitae), Labcorp
Classification: Uncertain significance for Hereditary diffuse gastric adenocarcinoma. Last evaluated: 2020-04-21. Review status: criteria provided, single submitter. Criteria: Invitae Variant Classification Sherloc (09022015). Collection method: clinical testing. Allele origin: germline.
Comment: This sequence change replaces valine with glycine at codon 252 of the CDH1 protein (p.Val252Gly). The valine residue is highly conserved and there is a moderate physicochemical difference between valine and glycine. This variant is not present in population databases (ExAC no frequency). This variant has not been reported in the literature in individuals with CDH1-related conditions. Algorithms developed to predict the effect of missense changes on protein structure and function (SIFT, PolyPhen-2, Align-GVGD) all suggest that this variant is likely to be disruptive, but these predictions have not been confirmed by published functional studies and their clinical significance is uncertain. In summary, the available evidence is currently insufficient to determine the role of this variant in disease. Therefore, it has been classified as a Variant of Uncertain Significance.

NM_004360.5(CDH1):c.755T>G (p.Val252Gly)

Gene: CDH1 (cadherin 1; plus strand). Cytogenetic location: 16q22.1.
Variant type: single nucleotide variant.
Coding change: c.755T>G on transcript NM_004360.5 (MANE Select); coding-DNA position 755, T replaced by G.
Protein change: p.Val252Gly; replaces valine 252 with glycine.
Molecular consequence: missense variant. On other transcripts: 5 prime UTR variant (2).
Genome position (GRCh38, 1-based): chr16:68,810,264, T>G. VCF-style: chr16-68810264-T-G. GRCh37 (hg19) VCF-style: chr16-68844167-T-G.
Other names: c.755T>G, p.Val252Gly (NM_001317184.2); c.-861T>G (NM_001317185.2); c.-1065T>G (NM_001317186.2); short protein forms V252G.
Identifiers: ClinVar variation 1038978 (VCV001038978.12), dbSNP rs1960782710, ClinGen allele CA396458600.
Genomic context (GRCh38, chr16:68,810,264, plus strand): 5'-CTCACGCTGTGTCATCCAACGGGAATGCAGTTGAGGATCCAATGGAGATTTTGATCACGG[T>G]AACCGATCAGAATGACAACAAGCCCGAATTCACCCAGGAGGTCTTTAAGGGGTCTGTCAT-3'
Protein context (NP_004351.1, residues 242-262): VEDPMEILIT[Val252Gly]TDQNDNKPEF